The following is an entry in ClinVar:

NM_003483.6(HMGA2):c.*1G>A

Gene: HMGA2 (high mobility group AT-hook 2; plus strand). Cytogenetic location: 12q14.3.
Variant type: single nucleotide variant.
Coding change: c.*1G>A on transcript NM_003483.6 (MANE Select); 1 bases downstream of the stop codon, G replaced by A.
Molecular consequence: 3 prime UTR variant.
Genome position (GRCh38, 1-based): chr12:65,963,293, G>A. VCF-style: chr12-65963293-G-A. GRCh37 (hg19) VCF-style: chr12-66357073-G-A.
Identifiers: ClinVar variation 3043910 (VCV003043910.2), dbSNP rs772000269, ClinGen allele CA6671930.

ClinVar aggregate classification (germline): Likely benign (0 of 4 stars; one submission).

Conditions:
HMGA2-related disorder. Also called: HMGA2-related condition.

Allele frequency attached by ClinVar (database versions not stated): gnomAD exomes below 0.00001; TOPMed below 0.00001; ExAC 0.00001; gnomAD 0.00001.
gnomAD v4.1: 2 of 1,613,308 alleles (0.00012%); highest among the groups gnomAD compares: Non-Finnish European, 0.00017%; no homozygotes.

Submission:

PreventionGenetics, part of Exact Sciences
Classification: Likely benign for HMGA2-related condition. Last evaluated: 2019-06-04. Review status: no assertion criteria provided. Collection method: clinical testing. Allele origin: germline.
Comment: This variant is classified as likely benign based on ACMG/AMP sequence variant interpretation guidelines (Richards et al. 2015 PMID: 25741868, with internal and published modifications).